The following is an entry in ClinVar:

NM_012338.4(TSPAN12):c.396del (p.Ala133fs)

Gene: TSPAN12 (tetraspanin 12; minus strand). Cytogenetic location: 7q31.31.
Variant type: Deletion.
Coding change: c.396del on transcript NM_012338.4 (MANE Select); coding-DNA position 396, one base deleted (A; older notation c.396delA).
Protein change: p.Ala133fs; shifts the reading frame from alanine 133.
Molecular consequence: frameshift variant.
Genome position (GRCh38, 1-based): chr7:120,810,535, T deleted on the plus strand (A on the coding strand, the reverse complement: TSPAN12 is on the minus strand); the first of 3 consecutive T bases (chr7:120,810,535-120,810,537); deleting any one gives the same sequence. VCF-style (leftmost placement, unchanged base first): chr7-120810534-CT-C. GRCh37 (hg19) VCF-style: chr7-120450588-CT-C.
Other names: short protein forms A133fs.
Identifiers: ClinVar variation 2027545 (VCV002027545.4), dbSNP rs2485348829, ClinGen allele CA2580076383.
Genomic context (GRCh38, chr7:120,810,534, plus strand): 5'-AAAAATTCCAAGCATGAGTAAGCCACCGATATCTAGGTAATCCATAATTTGTCATCCTGG[CT>C]TTCAAAGTGACCATATCTGACCATTGTACTGGAACCTGGTGATAAAAAGCAAAATATCAA-3'

ClinVar aggregate classification (germline): Pathogenic (1 of 4 stars; one submission).

Submission:

Labcorp Genetics (formerly Invitae), Labcorp
Classification: Pathogenic. Last evaluated: 2022-08-28. Review status: criteria provided, single submitter. Criteria: Invitae Variant Classification Sherloc (09022015). Collection method: clinical testing. Allele origin: germline.
Comment: This variant is not present in population databases (gnomAD no frequency). For these reasons, this variant has been classified as Pathogenic. This variant has not been reported in the literature in individuals affected with TSPAN12-related conditions. This sequence change creates a premature translational stop signal (p.Ala133Profs*3) in the TSPAN12 gene. It is expected to result in an absent or disrupted protein product. Loss-of-function variants in TSPAN12 are known to be pathogenic (PMID: 20159112, 21334594).

Literature cited by the submitters: PubMed 20159112; PubMed 21334594.